The following is an entry in ClinVar:

NM_002768.5(CHMP1A):c.130T>A (p.Cys44Ser)

Gene: CHMP1A (charged multivesicular body protein 1A; minus strand). Cytogenetic location: 16q24.3.
Variant type: single nucleotide variant.
Coding change: c.130T>A on transcript NM_002768.5 (MANE Select); coding-DNA position 130, T replaced by A.
Protein change: p.Cys44Ser; replaces cysteine 44 with serine.
Molecular consequence: missense variant. On other transcripts: non-coding transcript variant (1).
Genome position (GRCh38, 1-based): chr16:89,649,473, A>T on the plus strand (T>A on the coding strand, the complement: CHMP1A is on the minus strand). VCF-style: chr16-89649473-A-T. GRCh37 (hg19) VCF-style: chr16-89715881-A-T.
Other names: c.110T>A, p.Val37Glu (NM_001083314.4); c.110T>A (NM_001083314.1); short protein forms C44S, V37E.
Identifiers: ClinVar variation 1028045 (VCV001028045.5), dbSNP rs372234497, ClinGen allele CA8247133.

ClinVar aggregate classification (germline): Uncertain significance. Review status: criteria provided, multiple submitters, no conflicts (2 of 4 stars). 3 submissions from 3 submitters: Uncertain significance (3). Last evaluated 2024-01-24.

Conditions:
Pontocerebellar hypoplasia type 8 (PCH8). Identifiers: Orphanet 324569, MedGen C3554209, MONDO:0013990, OMIM 614961.
Inborn genetic diseases. Identifiers: MedGen C0950123, MeSH D030342.

Allele frequency attached by ClinVar (database versions not stated): gnomAD 0.00029; TOPMed 0.00031; ESP Exome Variant Server 0.00008.
gnomAD v4.1: 372 of 1,613,422 alleles (0.023%); highest among the groups gnomAD compares: Non-Finnish European, 0.03%; no homozygotes.

Submissions (3):

Labcorp Genetics (formerly Invitae), Labcorp
Classification: Uncertain significance. Last evaluated: 2024-01-24. Review status: criteria provided, single submitter. Criteria: Invitae Variant Classification Sherloc (09022015). Collection method: clinical testing. Allele origin: germline.
Comment: This sequence change replaces cysteine, which is neutral and slightly polar, with serine, which is neutral and polar, at codon 44 of the CHMP1A protein (p.Cys44Ser). This variant is present in population databases (rs372234497, gnomAD 0.02%). This variant has not been reported in the literature in individuals affected with CHMP1A-related conditions. ClinVar contains an entry for this variant (Variation ID: 1028045). An algorithm developed to predict the effect of missense changes on protein structure and function (PolyPhen-2) suggests that this variant¬†is likely to be tolerated. In summary, the available evidence is currently insufficient to determine the role of this variant in disease. Therefore, it has been classified as a Variant of Uncertain Significance.

Ambry Genetics
Classification: Uncertain significance for Inborn genetic diseases. Last evaluated: 2024-01-09. Review status: criteria provided, single submitter. Criteria: Ambry Variant Classification Scheme 2023. Collection method: clinical testing. Allele origin: germline.

Baylor Genetics
Classification: Uncertain significance for Pontocerebellar hypoplasia type 8. Last evaluated: 2019-01-24. Review status: criteria provided, single submitter. Criteria: ACMG Guidelines, 2015. Collection method: clinical testing. Allele origin: paternal. Affected: yes.
Comment: This variant was determined to be of uncertain significance according to ACMG Guidelines, 2015 [PMID:25741868].